The following is an entry in ClinVar:

ClinVar aggregate classification (germline): Uncertain significance (1 of 4 stars; one submission).

Conditions:
Inborn genetic diseases. Identifiers: MedGen C0950123, MeSH D030342.

Submission:

Ambry Genetics
Classification: Uncertain significance for Inborn genetic diseases. Last evaluated: 2025-12-18. Review status: criteria provided, single submitter. Criteria: Ambry Variant Classification Scheme 2023. Collection method: clinical testing. Allele origin: germline.
Comment: The p.P373A variant (also known as c.1117C>G), located in coding exon 6 of the ETV6 gene, results from a C to G substitution at nucleotide position 1117. The proline at codon 373 is replaced by alanine, an amino acid with highly similar properties. This amino acid position is conserved. In addition, the in silico prediction for this alteration is inconclusive. Based on the available evidence, the clinical significance of this variant remains unclear.

NM_001987.5(ETV6):c.1117C>G (p.Pro373Ala)

Genes: ETV6 (ETS variant transcription factor 6; plus strand), LOC126861452 (CDK7 strongly-dependent group 2 enhancer GRCh37_chr12:12037195-12038394; plus strand). Cytogenetic location: 12p13.2.
Variant type: single nucleotide variant.
Coding change: c.1117C>G on transcript NM_001987.5 (MANE Select); coding-DNA position 1117, C replaced by G.
Protein change: p.Pro373Ala; replaces proline 373 with alanine.
Molecular consequence: missense variant. On other transcripts: intron variant (1).
Genome position (GRCh38, 1-based): chr12:11,884,552, C>G. VCF-style: chr12-11884552-C-G. GRCh37 (hg19) VCF-style: chr12-12037486-C-G.
Other names: c.1114C>G, p.Pro372Ala (NM_001413913.1); c.1090C>G, p.Pro364Ala (NM_001413914.1); c.853C>G, p.Pro285Ala (NM_001413915.1); c.1010-6389C>G (NM_001413917.1); short protein forms P364A, P285A, P372A, P373A.
Identifiers: ClinVar variation 4842512 (VCV004842512.1).